The following is an entry in ClinVar:

NM_058216.3(RAD51C):c.905-15del

Gene: RAD51C (RAD51 paralog C; plus strand). Cytogenetic location: 17q22.
Variant type: Deletion.
Coding change: c.905-15del on transcript NM_058216.3 (MANE Select); 15 bases into the intron before coding-DNA position 905, one base deleted (G; older notation c.905-15delG).
Molecular consequence: intron variant.
Genome position (GRCh38, 1-based): chr17:58,724,025, G deleted. VCF-style (leftmost placement, unchanged base first): chr17-58724024-TG-T. GRCh37 (hg19) VCF-style: chr17-56801385-TG-T.
Identifiers: ClinVar variation 3904424 (VCV003904424.1).

ClinVar aggregate classification (germline): Likely benign (1 of 4 stars; one submission).

Conditions:
Breast-ovarian cancer, familial, susceptibility to, 3. Also called: RAD51C-Related Breast/Ovarian Cancer. Identifiers: Orphanet 145, MedGen C3150659, MONDO:0013253, OMIM 613399.

Submission:

Myriad Genetics, Inc.
Classification: Likely benign for Breast-ovarian cancer, familial, susceptibility to, 3. Last evaluated: 2025-02-19. Review status: criteria provided, single submitter. Criteria: Myriad Autosomal Dominant, Autosomal Recessive and X-Linked Classification Criteria (2023). Collection method: clinical testing. Allele origin: unknown.
Comment: This variant is considered likely benign. This variant is intronic and is not expected to impact mRNA splicing.